The following is an entry in ClinVar:

NM_002470.4(MYH3):c.2628A>C (p.Glu876Asp)

Gene: MYH3 (myosin heavy chain 3; minus strand). Cytogenetic location: 17p13.1.
Variant type: single nucleotide variant.
Coding change: c.2628A>C on transcript NM_002470.4 (MANE Select); coding-DNA position 2628, A replaced by C.
Protein change: p.Glu876Asp; replaces glutamic acid 876 with aspartic acid.
Molecular consequence: missense variant.
Genome position (GRCh38, 1-based): chr17:10,640,050, T>G on the plus strand (A>C on the coding strand, the complement: MYH3 is on the minus strand). VCF-style: chr17-10640050-T-G. GRCh37 (hg19) VCF-style: chr17-10543367-T-G.
Other names: short protein forms E876D.
Identifiers: ClinVar variation 4807226 (VCV004807226.1).

ClinVar aggregate classification (germline): Uncertain significance (1 of 4 stars; one submission).

gnomAD v4.1: 18 of 1,614,158 alleles (0.0011%); highest among the groups gnomAD compares: Non-Finnish European, 0.0015%; no homozygotes.

Submission:

Labcorp Genetics (formerly Invitae), Labcorp
Classification: Uncertain significance. Last evaluated: 2025-10-06. Review status: criteria provided, single submitter. Criteria: Invitae Variant Classification Sherloc (09022015). Collection method: clinical testing. Allele origin: germline.
Comment: This sequence change replaces glutamic acid, which is acidic and polar, with aspartic acid, which is acidic and polar, at codon 876 of the MYH3 protein (p.Glu876Asp). This variant is not present in population databases (gnomAD no frequency). This variant has not been reported in the literature in individuals affected with MYH3-related conditions. Invitae Evidence Modeling of protein sequence and biophysical properties (such as structural, functional, and spatial information, amino acid conservation, physicochemical variation, residue mobility, and thermodynamic stability) indicates that this missense variant is not expected to disrupt MYH3 protein function with a negative predictive value of 95%. In summary, the available evidence is currently insufficient to determine the role of this variant in disease. Therefore, it has been classified as a Variant of Uncertain Significance.